The following is an entry in ClinVar:

NM_024685.4(BBS10):c.9_15delinsGC (p.Ser3fs)

Gene: BBS10 (Bardet-Biedl syndrome 10; minus strand). Cytogenetic location: 12q21.2.
Variant type: Indel.
Coding change: c.9_15delinsGC on transcript NM_024685.4 (MANE Select); coding-DNA positions 9 to 15, TTCTATG replaced by GC.
Protein change: p.Ser3fs; shifts the reading frame from serine 3.
Molecular consequence: frameshift variant.
Genome position (GRCh38, 1-based): chr12:76,348,344-76,348,350, CATAGAA replaced by GC on the plus strand (TTCTATG replaced by GC on the coding strand, the reverse complement: BBS10 is on the minus strand). VCF-style: chr12-76348344-CATAGAA-GC. GRCh37 (hg19) VCF-style: chr12-76742124-CATAGAA-GC.
Other names: c.9_15delinsGC (NM_024685.3); c.9_15delTTCTATGinsGC (NM_024685.3); short protein forms S3fs.
Identifiers: ClinVar variation 1179122 (VCV001179122.14), dbSNP rs2136091654, ClinGen allele CA2499221852.

ClinVar aggregate classification (germline): Pathogenic/Likely pathogenic. Review status: criteria provided, multiple submitters, no conflicts (2 of 4 stars). 8 submissions from 8 submitters: Pathogenic (6); Likely pathogenic (2). Last evaluated 2026-08-01.

Conditions:
Bardet-Biedl syndrome 10 (BBS10). Identifiers: Orphanet 110, MedGen C1859568, MONDO:0014438, OMIM 615987.
BBS10-related disorder. Also called: BBS10-related condition.
Bardet-Biedl syndrome (BBS). Identifiers: Orphanet 110, MedGen C0752166, MONDO:0015229.

Submissions (8):

PreventionGenetics, part of Exact Sciences
Classification: Pathogenic for BBS10-related condition. Last evaluated: 2026-08-01. Review status: criteria provided, single submitter. Criteria: ACMG Guidelines, 2015. Collection method: clinical testing. Allele origin: germline.
Comment: The BBS10 c.9_15delinsGC variant is predicted to result in a frameshift and premature protein termination (p.Ser3Argfs*91). This variant has previously been reported, along with a second causative variant in the same gene, in a patient with retinitis pigmentosa, rod -cone dystrophy, horseshoe kidney, and ureterocele (Wang et al. 2016. PubMed ID: 27788217). This variant has also been reported in the homozygous state in an individual with inherited retinal dystrophy (Zenteno et al. 2019. PubMed ID: 31736247). This variant has not been reported in a large population database (gnomAD), indicating this variant is rare. Frameshift variants in BBS10 are expected to be pathogenic. This variant is interpreted as pathogenic.

Natera, Inc.
Classification: Pathogenic for Bardet-Biedl syndrome type 10. Last evaluated: 2025-12-15. Review status: criteria provided, single submitter. Criteria: Natera Variant Classification Schema (03/2026). Collection method: clinical testing. Allele origin: germline.
Comment: The c.9_15delTTCTATGinsGC variant in BBS10 is a frameshift variant predicted to shift the reading frame beginning at codon 3 and leads to a stop codon 91 codons downstream. This variant is expected to result in nonsense mediated decay, truncation, or a dysfunctional protein product. This variant is rare in the general population with a frequency below the threshold expected for the associated phenotype(s). This variant has been observed in one or more individuals affected with the associated recessive disease, as either homozygous or compound heterozygous with a second variant (PMID: 31736247, 27788217). Given the available evidence, this variant is classified as Pathogenic.

Labcorp Genetics (formerly Invitae), Labcorp
Classification: Pathogenic for Bardet-Biedl syndrome. Last evaluated: 2025-08-18. Review status: criteria provided, single submitter. Criteria: Invitae Variant Classification Sherloc (09022015). Collection method: clinical testing. Allele origin: germline.
Comment: This sequence change creates a premature translational stop signal (p.Ser3Argfs*91) in the BBS10 gene. While this is not anticipated to result in nonsense mediated decay, it is expected to disrupt the last 718 amino acid(s) of the BBS10 protein. This variant is not present in population databases (gnomAD no frequency). This variant has not been reported in the literature in individuals affected with BBS10-related conditions. This variant disrupts a region of the BBS10 protein in which other variant(s) (p.Val707*) have been determined to be pathogenic (PMID: 20472660, 22773737, 25982971, 27486776). This suggests that this is a clinically significant region of the protein, and that variants that disrupt it are likely to be disease-causing. For these reasons, this variant has been classified as Pathogenic.

GeneDx
Classification: Likely pathogenic. Last evaluated: 2024-12-19. Review status: criteria provided, single submitter. Criteria: GeneDx Variant Classification Process June 2021. Collection method: clinical testing. Allele origin: germline. Affected: yes.
Comment: Frameshift variant predicted to result in protein truncation, as the last 721 amino acids are replaced with 90 different amino acids, and other loss-of-function variants have been reported downstream in the Human Gene Mutation Database (HGMD); Not observed in large population cohorts (gnomAD); This variant is associated with the following publications: (PMID: 31736247, 27788217, 28041643, 29760218)

Fulgent Genetics
Classification: Likely pathogenic for Bardet-Biedl syndrome 10. Last evaluated: 2024-03-28. Review status: criteria provided, single submitter. Criteria: ACMG Guidelines, 2015. Collection method: clinical testing. Allele origin: germline.

Daryl Scott Lab, Baylor College of Medicine
Classification: Pathogenic for Bardet-Biedl syndrome 10. Last evaluated: 2024-01-01. Review status: criteria provided, single submitter. Criteria: ACMG Guidelines, 2015. Collection method: clinical testing. Allele origin: paternal. Observed: 1 heterozygote.
Comment: PVS1, PM2, PM3

Women's Health and Genetics/Laboratory Corporation of America, LabCorp
Classification: Pathogenic for Bardet-Biedl syndrome. Last evaluated: 2023-02-24. Review status: criteria provided, single submitter. Criteria: LabCorp Variant Classification Summary - May 2015. Collection method: clinical testing. Allele origin: germline.
Comment: Variant summary: BBS10 c.9_15delinsGC (p.Ser3ArgfsX91) results in a premature termination codon, predicted to cause a truncation of the encoded protein or absence of the protein due to nonsense mediated decay, which are commonly known mechanisms for disease. Truncations downstream of this position have been classified as pathogenic by our laboratory. The variant was absent in 205286 control chromosomes (gnomAD). c.9_15delinsGC has been reported in the literature in compound heterozygous and homozygous individuals affected with Bardet-Biedl Syndrome or Retinal dystrophies (Wang_2016, Zenteno_2019). These data indicate that the variant may be associated with disease. To our knowledge, no experimental evidence demonstrating an impact on protein function has been reported. One ClinVar submitter (evaluation after 2014) cites this variant as pathogenic. Based on the evidence outlined above, the variant was classified as pathogenic.

Blueprint Genetics
Classification: Pathogenic for BBS10-related disorders. Last evaluated: 2022-11-06. Review status: criteria provided, single submitter. Criteria: ACMG Guidelines, 2015. Collection method: clinical testing. Allele origin: germline. Affected: yes. Observed: 2 variant alleles.

Literature cited by the submitters: PubMed 31736247 (cited by Natera, Inc. and Women's Health and Genetics/Laboratory Corporation of America, LabCorp); PubMed 27788217 (cited by Natera, Inc. and Women's Health and Genetics/Laboratory Corporation of America, LabCorp); PubMed 20472660 (cited by Labcorp Genetics (formerly Invitae), Labcorp); PubMed 22773737 (cited by Labcorp Genetics (formerly Invitae), Labcorp); PubMed 25982971 (cited by Labcorp Genetics (formerly Invitae), Labcorp); PubMed 27486776 (cited by Labcorp Genetics (formerly Invitae), Labcorp); PubMed 28041643 (cited by Women's Health and Genetics/Laboratory Corporation of America, LabCorp); PubMed 29760218 (cited by Women's Health and Genetics/Laboratory Corporation of America, LabCorp).